The following is an entry in ClinVar:

ClinVar aggregate classification (germline): Uncertain significance (1 of 4 stars; one submission).

Conditions:
LRRC45-related disorder. Also called: LRRC45-related condition.

Submission:

PreventionGenetics, part of Exact Sciences
Classification: Uncertain significance for LRRC45-related condition. Last evaluated: 2025-06-11. Review status: criteria provided, single submitter. Criteria: ACMG Guidelines, 2015. Collection method: clinical testing. Allele origin: germline.
Comment: The LRRC45 c.1238A>G variant is predicted to result in the amino acid substitution p.Glu413Gly. To our knowledge, this variant has not been reported in the literature. This variant is reported in 0.00089% of alleles in individuals of European (Non-Finnish) descent in gnomAD. At this time, the clinical significance of this variant is uncertain due to the absence of conclusive functional and genetic evidence.

NM_144999.4(LRRC45):c.1238A>G (p.Glu413Gly)

Gene: LRRC45 (leucine rich repeat containing 45; plus strand). Cytogenetic location: 17q25.3.
Variant type: single nucleotide variant.
Coding change: c.1238A>G on transcript NM_144999.4 (MANE Select); coding-DNA position 1238, A replaced by G.
Protein change: p.Glu413Gly; replaces glutamic acid 413 with glycine.
Molecular consequence: missense variant.
Genome position (GRCh38, 1-based): chr17:82,028,613, A>G. VCF-style: chr17-82028613-A-G. GRCh37 (hg19) VCF-style: chr17-79986489-A-G.
Other names: short protein forms E413G.
Identifiers: ClinVar variation 4990246 (VCV004990246.1).